The following is an entry in ClinVar:

NM_001042492.3(NF1):c.4333-3T>G

Gene: NF1 (neurofibromin 1; plus strand). Cytogenetic location: 17q11.2.
Variant type: single nucleotide variant.
Coding change: c.4333-3T>G on transcript NM_001042492.3 (MANE Select); 3 bases into the intron before coding-DNA position 4333, T replaced by G.
Molecular consequence: intron variant.
Genome position (GRCh38, 1-based): chr17:31,259,029, T>G. VCF-style: chr17-31259029-T-G. GRCh37 (hg19) VCF-style: chr17-29586047-T-G.
Other names: c.4270-3T>G (NM_000267.4).
Identifiers: ClinVar variation 4728526 (VCV004728526.1).

ClinVar aggregate classification (germline): Uncertain significance (1 of 4 stars; one submission).

Conditions:
Neurofibromatosis, type 1 (NF1). Also called: VON RECKLINGHAUSEN DISEASE; Peripheral type neurofibromatosis; NEUROFIBROMATOSIS, TYPE I, SOMATIC; Neurofibromatosis, type I. Identifiers: Orphanet 636, MedGen C0027831, MONDO:0018975, OMIM 162200. Disease mechanism: loss of function.

Submission:

Labcorp Genetics (formerly Invitae), Labcorp
Classification: Uncertain significance for Neurofibromatosis, type 1. Last evaluated: 2025-10-06. Review status: criteria provided, single submitter. Criteria: Invitae Variant Classification Sherloc (09022015). Collection method: clinical testing. Allele origin: germline.
Comment: This sequence change falls in intron 31 of the NF1 gene. It does not directly change the encoded amino acid sequence of the NF1 protein. It affects a nucleotide within the consensus splice site. This variant is not present in population databases (gnomAD no frequency). This variant has not been reported in the literature in individuals affected with NF1-related conditions. Variants that disrupt the consensus splice site are a relatively common cause of aberrant splicing (PMID: 17576681, 9536098). Algorithms developed to predict the effect of sequence changes on RNA splicing suggest that this variant may disrupt the consensus splice site. In summary, the available evidence is currently insufficient to determine the role of this variant in disease. Therefore, it has been classified as a Variant of Uncertain Significance.

Literature cited by the submitters: PubMed 17576681; PubMed 9536098.